The following is an entry in ClinVar:

ClinVar aggregate classification (germline): Uncertain significance (1 of 4 stars; one submission).

Conditions:
Neurofibromatosis, type 1 (NF1). Also called: NEUROFIBROMATOSIS, TYPE I, SOMATIC; Neurofibromatosis, type I; Peripheral type neurofibromatosis; VON RECKLINGHAUSEN DISEASE. Identifiers: Orphanet 636, MedGen C0027831, MONDO:0018975, OMIM 162200. Disease mechanism: loss of function.

Submission:

Labcorp Genetics (formerly Invitae), Labcorp
Classification: Uncertain significance for Neurofibromatosis, type 1. Last evaluated: 2022-03-26. Review status: criteria provided, single submitter. Criteria: Invitae Variant Classification Sherloc (09022015). Collection method: clinical testing. Allele origin: germline.
Comment: In summary, the available evidence is currently insufficient to determine the role of this variant in disease. Therefore, it has been classified as a Variant of Uncertain Significance. Algorithms developed to predict the effect of missense changes on protein structure and function are either unavailable or do not agree on the potential impact of this missense change (SIFT: "Deleterious"; PolyPhen-2: "Probably Damaging"; Align-GVGD: "Class C0"). This variant has not been reported in the literature in individuals affected with NF1-related conditions. This variant is not present in population databases (gnomAD no frequency). This sequence change replaces serine, which is neutral and polar, with arginine, which is basic and polar, at codon 2813 of the NF1 protein (p.Ser2813Arg).

NM_001042492.3(NF1):c.8500A>C (p.Ser2834Arg)

Gene: NF1 (neurofibromin 1; plus strand). Cytogenetic location: 17q11.2.
Variant type: single nucleotide variant.
Coding change: c.8500A>C on transcript NM_001042492.3 (MANE Select); coding-DNA position 8500, A replaced by C.
Protein change: p.Ser2834Arg; replaces serine 2834 with arginine.
Molecular consequence: missense variant.
Genome position (GRCh38, 1-based): chr17:31,374,135, A>C. VCF-style: chr17-31374135-A-C. GRCh37 (hg19) VCF-style: chr17-29701153-A-C.
Other names: c.8437A>C, p.Ser2813Arg (NM_000267.4); short protein forms S2813R, S2834R.
Identifiers: ClinVar variation 2117474 (VCV002117474.4), dbSNP rs764858484, ClinGen allele CA399206109.